The following is an entry in ClinVar:

ClinVar aggregate classification (germline): Uncertain significance (1 of 4 stars; one submission).

Conditions:
Cardiovascular phenotype. Identifiers: MedGen CN230736.

Submission:

Ambry Genetics
Classification: Uncertain significance for Cardiovascular phenotype. Last evaluated: 2024-01-01. Review status: criteria provided, single submitter. Criteria: Ambry Variant Classification Scheme 2023. Collection method: clinical testing. Allele origin: germline.
Comment: The p.N224K variant (also known as c.672C>A), located in coding exon 1 of the FOXE3 gene, results from a C to A substitution at nucleotide position 672. The asparagine at codon 224 is replaced by lysine, an amino acid with similar properties. This amino acid position is conserved. In addition, this alteration is predicted to be tolerated by in silico analysis. Since supporting evidence is limited at this time, the clinical significance of this alteration remains unclear.

NM_012186.3(FOXE3):c.672C>A (p.Asn224Lys)

Genes: FOXE3 (forkhead box E3; plus strand), LINC01389 (long intergenic non-protein coding RNA 1389; minus strand). Cytogenetic location: 1p33.
Variant type: single nucleotide variant.
Coding change: c.672C>A on transcript NM_012186.3 (MANE Select); coding-DNA position 672, C replaced by A.
Protein change: p.Asn224Lys; replaces asparagine 224 with lysine.
Molecular consequence: missense variant.
Genome position (GRCh38, 1-based): chr1:47,416,987, C>A. VCF-style: chr1-47416987-C-A. GRCh37 (hg19) VCF-style: chr1-47882659-C-A.
Other names: short protein forms N224K.
Identifiers: ClinVar variation 3226213 (VCV003226213.1), dbSNP rs1255205439, ClinGen allele CA340250464.